The following is an entry in ClinVar:

ClinVar aggregate classification (germline): Uncertain significance (1 of 4 stars; one submission).

gnomAD v4.1: 3 of 1,376,110 alleles (0.00022%); highest among the groups gnomAD compares: African/African-American, 0.0015%; no homozygotes.

Submission:

GeneDx
Classification: Uncertain significance. Last evaluated: 2025-06-23. Review status: criteria provided, single submitter. Criteria: GeneDx Variant Classification Process June 2021. Collection method: clinical testing. Allele origin: germline. Affected: yes.
Comment: Not observed at significant frequency in large population cohorts (gnomAD); In silico analysis suggests that this missense variant does not alter protein structure/function; Has not been previously published as pathogenic or benign to our knowledge

NM_001393769.1(MED12L):c.6374T>C (p.Leu2125Pro)

Gene: MED12L (mediator complex subunit 12L; plus strand). Cytogenetic location: 3q25.1.
Variant type: single nucleotide variant.
Coding change: c.6374T>C on transcript NM_001393769.1 (MANE Select); coding-DNA position 6374, T replaced by C.
Protein change: p.Leu2125Pro; replaces leucine 2125 with proline.
Molecular consequence: missense variant.
Genome position (GRCh38, 1-based): chr3:151,416,388, T>C. VCF-style: chr3-151416388-T-C. GRCh37 (hg19) VCF-style: chr3-151134176-T-C.
Other names: c.6269T>C, p.Leu2090Pro (NM_053002.6); short protein forms L2090P, L2125P.
Identifiers: ClinVar variation 4540173 (VCV004540173.1).